The following is an entry in ClinVar:

NM_005458.8(GABBR2):c.72_73insACCATGGTTCAGCCACATCTGTCACTTGCCAGTATTGGTACGCATTAAAGTAACTGGTCTGAAACGTTCTATCCAAGAACGCTTGAACTTCCAAGTTACTAATGAAGTAATTCAAC (p.Leu25delinsThrMetValGlnProHisLeuSerLeuAlaSerIleGlyThrHisTer)

Gene: GABBR2 (gamma-aminobutyric acid type B receptor subunit 2; minus strand). Cytogenetic location: 9q22.33.
Variant type: Insertion.
Coding change: c.72_73insACCATGGTTCAGCCACATCTGTCACTTGCCAGTATTGGTACGCATTAAAGTAACTGGTCTGAAACGTTCTATCCAAGAACGCTTGAACTTCCAAGTTACTAATGAAGTAATTCAAC on transcript NM_005458.8 (MANE Select); coding-DNA positions 72 to 73, ACCATGGTTCAGCCACATCTGTCACTTGCCAGTATTGGTACGCATTAAAGTAACTGGTCTGAAACGTTCTATCCAAGAACGCTTGAACTTCCAAGTTACTAATGAAGTAATTCAAC inserted.
Protein change: p.Leu25delinsThrMetValGlnProHisLeuSerLeuAlaSerIleGlyThrHisTer.
Molecular consequence: nonsense.
Genome position: GRCh38: chr9:98,708,665-98,708,666. GRCh37 (hg19): chr9:101,470,947-101,470,948.
Identifiers: ClinVar variation 2444365 (VCV002444365.2), dbSNP rs1564157745, ClinGen allele CA2580080909.

ClinVar aggregate classification (germline): Likely pathogenic (1 of 4 stars; one submission).

Conditions:
Developmental and epileptic encephalopathy, 59. Also called: Early infantile epileptic encephalopathy 59. Identifiers: MedGen C4693550, MONDO:0033368, OMIM 617904.

Submission:

3billion
Classification: Likely pathogenic for Developmental and epileptic encephalopathy, 59. Last evaluated: 2023-08-28. Review status: criteria provided, single submitter. Criteria: ACMG Guidelines, 2015. Collection method: clinical testing. Allele origin: germline. Affected: yes.
Comment: The variant is not observed in the gnomAD v2.1.1 dataset. Predicted Consequence/Location: Stop-gained (nonsense): predicted to result in a loss or disruption of normal protein function through nonsense-mediated decay (NMD) or protein truncation. A pathogenic variant is reported downstream of the variant. Therefore, this variant is classified as Likely pathogenic according to the recommendation of ACMG/AMP guideline.